The following is an entry in ClinVar:

NM_007175.8(ERLIN2):c.538C>T (p.Arg180Cys)

Gene: ERLIN2 (ER lipid raft associated 2; plus strand). Cytogenetic location: 8p11.23.
Variant type: single nucleotide variant.
Coding change: c.538C>T on transcript NM_007175.8 (MANE Select); coding-DNA position 538, C replaced by T.
Protein change: p.Arg180Cys; replaces arginine 180 with cysteine.
Molecular consequence: missense variant.
Genome position (GRCh38, 1-based): chr8:37,749,833, C>T. VCF-style: chr8-37749833-C-T. GRCh37 (hg19) VCF-style: chr8-37607351-C-T.
Other names: c.538C>T, p.Arg180Cys (NM_001362878.2); short protein forms R180C.
Identifiers: ClinVar variation 1710198 (VCV001710198.3), dbSNP rs1803174828, ClinGen allele CA370659223.
Genomic context (GRCh38, chr8:37,749,833, plus strand): 5'-GCTGTTTTAATCTCTCTCCAGGCTGTGCGGGTAACAAAGCCCAACATACCAGAGGCAATC[C>T]GCAGAAACTACGAGTTGATGTGAGTATACCCTCCGCCTGGGCTGTGACCACCACTGCCTC-3'
Protein context (NP_009106.1, residues 170-190): VTKPNIPEAI[Arg180Cys]RNYELMESEK

ClinVar aggregate classification (germline): Likely pathogenic. Review status: criteria provided, single submitter (1 of 4 stars). 2 submissions from 1 submitter: Likely pathogenic (1). 1 of the submissions does not count toward it. Last evaluated 2025-06-03.

Conditions:
Hereditary spastic paraplegia 18. Identifiers: Orphanet 209951, MedGen C2749936, MONDO:0012639.
Spastic paraplegia 18b, autosomal recessive (SPG18B). Also called: INTELLECTUAL DISABILITY, MOTOR DYSFUNCTION, AND JOINT CONTRACTURES. Identifiers: MedGen CN380649, MONDO:0700309, OMIM 611225.

Allele frequency attached by ClinVar (database versions not stated): gnomAD exomes below 0.00001; TOPMed below 0.00001.
gnomAD v4.1: 5 of 1,614,148 alleles (0.00031%); highest among the groups gnomAD compares: East Asian, 0.0022%; no homozygotes.

Submissions (2):

Clinical Genetics Laboratory, University Hospital Schleswig-Holstein
Classification: Likely pathogenic for Spastic paraplegia 18b, autosomal recessive. Last evaluated: 2025-06-03. Review status: criteria provided, single submitter. Criteria: ACMG Guidelines, 2015. Collection method: clinical testing. Allele origin: biparental. Affected: yes. Observed: 1 homozygote.
Comment: ACMG criteria applied: PM2, PP3, PM3, PP2

Clinical Genetics Laboratory, University Hospital Schleswig-Holstein
Classification: Uncertain significance for Spastic paraplegia 18b, autosomal recessive. Last evaluated: 2022-02-01. Review status: no assertion criteria provided. Collection method: clinical testing. Allele origin: germline. Affected: yes. Not counted in ClinVar's aggregate classification.